The following is an entry in ClinVar:

NM_001040142.2(SCN2A):c.3944G>T (p.Arg1315Ile)

Gene: SCN2A (sodium voltage-gated channel alpha subunit 2; plus strand). Cytogenetic location: 2q24.3.
Variant type: single nucleotide variant.
Coding change: c.3944G>T on transcript NM_001040142.2 (MANE Select); coding-DNA position 3944, G replaced by T.
Protein change: p.Arg1315Ile; replaces arginine 1315 with isoleucine.
Molecular consequence: missense variant.
Genome position (GRCh38, 1-based): chr2:165,373,319, G>T. VCF-style: chr2-165373319-G-T. GRCh37 (hg19) VCF-style: chr2-166229829-G-T.
Other names: c.3944G>T, p.Arg1315Ile (NM_001040143.2, NM_001371246.1, NM_001371247.1 and 1 more transcripts); short protein forms R1315I.
Identifiers: ClinVar variation 533493 (VCV000533493.9), dbSNP rs796053129, ClinGen allele CA349029996.

ClinVar aggregate classification (germline): Uncertain significance (1 of 4 stars; one submission).

Conditions:
Developmental and epileptic encephalopathy, 11 (DEE11). Also called: Early infantile epileptic encephalopathy 11. Identifiers: Orphanet 1934, MedGen C3150987, MONDO:0013388, OMIM 613721.
Seizures, benign familial infantile, 3 (BFIS3). Also called: CONVULSIONS, BENIGN FAMILIAL INFANTILE, 3; Familial neonatal seizures. Identifiers: Orphanet 140927, Orphanet 306, MedGen C1843140, MONDO:0011904, OMIM 607745.

Submission:

Labcorp Genetics (formerly Invitae), Labcorp
Classification: Uncertain significance for Seizures, benign familial infantile, 3; Developmental and epileptic encephalopathy, 11. Last evaluated: 2022-07-26. Review status: criteria provided, single submitter. Criteria: Invitae Variant Classification Sherloc (09022015). Collection method: clinical testing. Allele origin: germline.
Comment: In summary, the available evidence is currently insufficient to determine the role of this variant in disease. Therefore, it has been classified as a Variant of Uncertain Significance. Algorithms developed to predict the effect of missense changes on protein structure and function are either unavailable or do not agree on the potential impact of this missense change (SIFT: "Deleterious"; PolyPhen-2: "Probably Damaging"; Align-GVGD: "Class C0"). ClinVar contains an entry for this variant (Variation ID: 533493). This variant has not been reported in the literature in individuals affected with SCN2A-related conditions. This variant is not present in population databases (gnomAD no frequency). This sequence change replaces arginine, which is basic and polar, with isoleucine, which is neutral and non-polar, at codon 1315 of the SCN2A protein (p.Arg1315Ile).